The following is an entry in ClinVar:

ClinVar aggregate classification (germline): Uncertain significance. Review status: criteria provided, multiple submitters, no conflicts (2 of 4 stars). 2 submissions from 2 submitters: Uncertain significance (2). Last evaluated 2025-01-31.

Conditions:
Inborn genetic diseases. Identifiers: MedGen C0950123, MeSH D030342.

gnomAD v4.1: 7 of 1,614,176 alleles (0.00043%); highest among the groups gnomAD compares: Non-Finnish European, 0.00059%; no homozygotes.

Submissions (2):

Ambry Genetics
Classification: Uncertain significance for Inborn genetic diseases. Last evaluated: 2025-01-31. Review status: criteria provided, single submitter. Criteria: Ambry Variant Classification Scheme 2023. Collection method: clinical testing. Allele origin: germline.

Labcorp Genetics (formerly Invitae), Labcorp
Classification: Uncertain significance. Last evaluated: 2022-06-04. Review status: criteria provided, single submitter. Criteria: Invitae Variant Classification Sherloc (09022015). Collection method: clinical testing. Allele origin: germline.
Comment: This sequence change replaces asparagine, which is neutral and polar, with lysine, which is basic and polar, at codon 1989 of the MTOR protein (p.Asn1989Lys). This variant is not present in population databases (gnomAD no frequency). This variant has not been reported in the literature in individuals affected with MTOR-related conditions. Advanced modeling of protein sequence and biophysical properties (such as structural, functional, and spatial information, amino acid conservation, physicochemical variation, residue mobility, and thermodynamic stability) performed at Invitae indicates that this missense variant is not expected to disrupt MTOR protein function. In summary, the available evidence is currently insufficient to determine the role of this variant in disease. Therefore, it has been classified as a Variant of Uncertain Significance.

NM_004958.4(MTOR):c.5967T>G (p.Asn1989Lys)

Gene: MTOR (mechanistic target of rapamycin kinase; minus strand). Cytogenetic location: 1p36.22.
Variant type: single nucleotide variant.
Coding change: c.5967T>G on transcript NM_004958.4 (MANE Select); coding-DNA position 5967, T replaced by G.
Protein change: p.Asn1989Lys; replaces asparagine 1989 with lysine.
Molecular consequence: missense variant.
Genome position (GRCh38, 1-based): chr1:11,128,070, A>C on the plus strand (T>G on the coding strand, the complement: MTOR is on the minus strand). VCF-style: chr1-11128070-A-C. GRCh37 (hg19) VCF-style: chr1-11188127-A-C.
Other names: c.5967T>G, p.Asn1989Lys (NM_001386500.1); c.4719T>G, p.Asn1573Lys (NM_001386501.1); short protein forms N1989K, N1573K.
Identifiers: ClinVar variation 2070550 (VCV002070550.5), dbSNP rs528772461, ClinGen allele CA338394560.